The following is an entry in ClinVar:

ClinVar aggregate classification (germline): Uncertain significance (1 of 4 stars; one submission).

Submission:

CeGaT Center for Human Genetics Tuebingen
Classification: Uncertain significance. Last evaluated: 2025-03-01. Review status: criteria provided, single submitter. Criteria: CeGaT Center For Human Genetics Tuebingen Variant Classification Criteria Version 2. Collection method: clinical testing. Allele origin: germline. Affected: yes. Observed: 1 variant allele.
Comment: CACNA1A: PP2

NC_000019.10:g.13599933G>A

Gene: CACNA1A (calcium voltage-gated channel subunit alpha1 A; minus strand). Cytogenetic location: 19p13.13.
Variant type: single nucleotide variant.
Genome position: GRCh38 VCF-style: chr19-13599933-G-A. GRCh37 (hg19) VCF-style: chr19-13710747-G-A.
Identifiers: ClinVar variation 3778603 (VCV003778603.7).
Genomic context (GRCh38, chr19:13,599,933, plus strand): 5'-ATGCTGAGCCGGGGAGGCCGAGTGTCCTGCAGGGCGCTGGGCGTGCCCCGAGCTGCGGTT[G>A]TGCAGGGCGTCATAGTAACTGGGGCGCGAGAGCATGGAGTCGGGGACCCAGGAAGACTTC-3'